The following is an entry in ClinVar:

ClinVar aggregate classification (germline): Conflicting classifications of pathogenicity. Review status: criteria provided, conflicting classifications (1 of 4 stars). 10 submissions from 10 submitters: Uncertain significance (6); Benign (1); Likely benign (2). 1 of the submissions does not count toward it. Last evaluated 2025-12-23.

Conditions:
Hereditary cancer-predisposing syndrome. Also called: Tumor predisposition; Hereditary neoplastic syndrome; Neoplastic Syndromes, Hereditary; Hereditary Cancer Syndrome. Identifiers: Orphanet 140162, MedGen C0027672, MeSH D009386, MONDO:0015356.
Tuberous sclerosis syndrome (TSC). Also called: Tuberous sclerosis; Tuberous Sclerosis Complex. Identifiers: Orphanet 805, MedGen C0041341, MONDO:0001734.
Isolated focal cortical dysplasia type II (FCORD2). Also called: CORTICAL DYSPLASIA OF TAYLOR; Focal cortical dysplasia type II. Identifiers: Orphanet 268994, MedGen C1846385, MONDO:0011818, OMIM 607341, HP:0032051.
Tuberous sclerosis 2 (TSC2). Identifiers: Orphanet 805, MedGen C1860707, MONDO:0013199, OMIM 613254.

Allele frequency attached by ClinVar (database versions not stated): gnomAD exomes below 0.00001 and 0.00001; ExAC 0.00001.
gnomAD v4.1: 6 of 1,611,152 alleles (0.00037%); highest among the groups gnomAD compares: South Asian, 0.0011%; no homozygotes.

Submissions (10):

Labcorp Genetics (formerly Invitae), Labcorp
Classification: Benign for Tuberous sclerosis 2. Last evaluated: 2025-12-23. Review status: criteria provided, single submitter. Criteria: Invitae Variant Classification Sherloc (09022015). Collection method: clinical testing. Allele origin: germline.

Color Diagnostics, LLC DBA Color Health
Classification: Uncertain significance for Tuberous sclerosis syndrome. Last evaluated: 2025-07-03. Review status: criteria provided, single submitter. Criteria: ACMG Guidelines, 2015. Collection method: clinical testing. Allele origin: germline.
Comment: This missense variant replaces glutamic acid with valine at codon 1321 of the TSC2 protein. Computational prediction is inconclusive regarding the impact of this variant on protein structure and function. To our knowledge, functional studies have not been reported for this variant. This variant has not been reported in individuals affected with TSC2-related disorders in the literature. This variant has been identified in 1/244910 chromosomes in the general population by the Genome Aggregation Database (gnomAD). The available evidence is insufficient to determine the role of this variant in disease conclusively. Therefore, this variant is classified as a Variant of Uncertain Significance.

Myriad Genetics, Inc.
Classification: Likely benign for Tuberous sclerosis 2. Last evaluated: 2025-06-27. Review status: criteria provided, single submitter. Criteria: Myriad Autosomal Dominant, Autosomal Recessive and X-Linked Classification Criteria (2023). Collection method: clinical testing. Allele origin: unknown.
Comment: This variant is considered likely benign. Homozygosity has been confirmed in one or more individuals. As homozygosity for pathogenic variants in this gene is generally assumed to result in embryonic lethality, this variant is unlikely to be pathogenic.

Baylor Genetics
Classification: Uncertain significance for Isolated focal cortical dysplasia type II. Last evaluated: 2023-10-27. Review status: criteria provided, single submitter. Criteria: ACMG Guidelines, 2015. Collection method: clinical testing. Allele origin: unknown.

All of Us Research Program, National Institutes of Health
Classification: Uncertain significance for Tuberous sclerosis syndrome. Last evaluated: 2023-05-31. Review status: criteria provided, single submitter. Criteria: ACMG Guidelines, 2015. Collection method: clinical testing. Allele origin: germline. Inheritance: Autosomal dominant inheritance. Observed: 3 variant alleles, 3 heterozygotes.
Comment: This missense variant replaces glutamic acid with valine at codon 1321 of the TSC2 protein. Computational prediction is inconclusive regarding the impact of this variant on protein structure and function (internally defined REVEL score threshold 0.5 < inconclusive < 0.7, PMID: 27666373). To our knowledge, functional studies have not been reported for this variant. This variant has not been reported in individuals affected with tuberous sclerosis complex in the literature. This variant has been identified in 1/244910 chromosomes in the general population by the Genome Aggregation Database (gnomAD). The available evidence is insufficient to determine the role of this variant in disease conclusively. Therefore, this variant is classified as a Variant of Uncertain Significance.

This study involves interpretation of variants in research participants for the purpose of population health screening. Participant phenotype was not available at the time of variant classification. Additional details can be found in publication PMID: 35346344, PMCID: PMC8962531

Ambry Genetics
Classification: Likely benign for Hereditary cancer-predisposing syndrome. Last evaluated: 2023-03-15. Review status: criteria provided, single submitter. Criteria: Ambry Variant Classification Scheme 2023. Collection method: clinical testing. Allele origin: germline.

St. Jude Molecular Pathology, St. Jude Children's Research Hospital
Classification: Uncertain significance for Tuberous sclerosis 2. Last evaluated: 2022-10-24. Review status: criteria provided, single submitter. Criteria: St. Jude Assertion Criteria 2020. Collection method: clinical testing. Allele origin: germline.
Comment: The TSC2 c.3962A>T (p.Glu1321Val) missense change has a maximum subpopulation frequency of 0.00090% in gnomAD v2.1.1. The in silico tool REVEL is inconclusive about a pathogenic or benign effect of this variant on protein function, and to our knowledge functional studies have not been performed. To our knowledge, this variant has not been reported in the literature in individuals with tuberous sclerosis complex. In summary, the evidence currently available is insufficient to determine the clinical significance of this variant. It has therefore been classified as of uncertain significance.

Genome-Nilou Lab
Classification: Uncertain significance for Tuberous sclerosis 2. Last evaluated: 2021-11-07. Review status: criteria provided, single submitter. Criteria: ACMG Guidelines, 2015. Collection method: clinical testing. Allele origin: germline. Affected: no.

GeneDx
Classification: Uncertain significance. Last evaluated: 2019-06-13. Review status: criteria provided, single submitter. Criteria: GeneDx Variant Classification Process June 2021. Collection method: clinical testing. Allele origin: germline. Affected: yes.
Comment: In silico analysis, which includes protein predictors and evolutionary conservation, supports a deleterious effect; Has not been previously published as pathogenic or benign to our knowledge; This variant is associated with the following publications: (PMID: 24728327)

ITMI
No classification provided. Condition: AllHighlyPenetrant. Last evaluated: 2013-09-19. Review status: no classification provided. Collection method: reference population. Allele origin: germline. Not counted in ClinVar's aggregate classification.
Comment: Please see associated publication for description of ethnicities

Literature cited by the submitters: PubMed 24728327 (cited by ITMI).

NM_000548.5(TSC2):c.3962A>T (p.Glu1321Val)

Gene: TSC2 (TSC complex subunit 2; plus strand). Cytogenetic location: 16p13.3.
Variant type: single nucleotide variant.
Coding change: c.3962A>T on transcript NM_000548.5 (MANE Select); coding-DNA position 3962, A replaced by T.
Protein change: p.Glu1321Val; replaces glutamic acid 1321 with valine.
Molecular consequence: missense variant.
Genome position (GRCh38, 1-based): chr16:2,083,773, A>T. VCF-style: chr16-2083773-A-T. GRCh37 (hg19) VCF-style: chr16-2133774-A-T.
Other names: c.3962A>T (NM_000548.4); c.3761A>T, p.Glu1254Val (NM_001077183.3); c.3893A>T, p.Glu1298Val (NM_001114382.3); c.3653A>T, p.Glu1218Val (NM_001318827.2); c.3617A>T, p.Glu1206Val (NM_001318829.2); c.3230A>T, p.Glu1077Val (NM_001318831.2); c.3794A>T, p.Glu1265Val (NM_001318832.2); c.3764A>T, p.Glu1255Val (NM_001363528.2); and 2 more; short protein forms E1321V, E1077V, E1278V, E1206V, E1254V, E1265V, E1218V, E1255V.
Identifiers: ClinVar variation 135383 (VCV000135383.22), dbSNP rs587778736, ClinGen allele CA019757.